The following is an entry in ClinVar:

ClinVar aggregate classification (germline): Uncertain significance (1 of 4 stars; one submission).

Allele frequency attached by ClinVar (database versions not stated): gnomAD exomes 0.00001; ExAC 0.00002.
gnomAD v4.1: 3 of 1,211,723 alleles (0.00025%); highest among the groups gnomAD compares: Non-Finnish European, 0.00022%; no homozygotes.

Submission:

Labcorp Genetics (formerly Invitae), Labcorp
Classification: Uncertain significance. Last evaluated: 2022-05-04. Review status: criteria provided, single submitter. Criteria: Invitae Variant Classification Sherloc (09022015). Collection method: clinical testing. Allele origin: germline.
Comment: In summary, the available evidence is currently insufficient to determine the role of this variant in disease. Therefore, it has been classified as a Variant of Uncertain Significance. Algorithms developed to predict the effect of sequence changes on RNA splicing suggest that this variant may disrupt the consensus splice site. This variant has not been reported in the literature in individuals affected with DRP2-related conditions. This variant is present in population databases (rs753850905, gnomAD 0.003%). This sequence change falls in intron 14 of the DRP2 gene. It does not directly change the encoded amino acid sequence of the DRP2 protein.

NM_001939.3(DRP2):c.1541-6C>A

Gene: DRP2 (dystrophin related protein 2; plus strand). Cytogenetic location: Xq22.1.
Variant type: single nucleotide variant.
Coding change: c.1541-6C>A on transcript NM_001939.3 (MANE Select); 6 bases into the intron before coding-DNA position 1541, C replaced by A.
Molecular consequence: intron variant.
Genome position (GRCh38, 1-based): chrX:101,250,417, C>A. VCF-style: chrX-101250417-C-A. GRCh37 (hg19) VCF-style: chrX-100505406-C-A.
Other names: c.1307-6C>A (NM_001171184.2).
Identifiers: ClinVar variation 2094924 (VCV002094924.4), dbSNP rs753850905, ClinGen allele CA10472307.